The following is an entry in ClinVar:

NM_001378120.1(MBD5):c.1635T>A (p.Ser545=)

Gene: MBD5 (methyl-CpG binding domain protein 5; plus strand). Cytogenetic location: 2q23.1.
Variant type: single nucleotide variant.
Coding change: c.1635T>A on transcript NM_001378120.1 (MANE Select); coding-DNA position 1635, T replaced by A.
Protein change: p.Ser545=; no amino-acid change (serine 545 retained).
Molecular consequence: synonymous variant.
Genome position (GRCh38, 1-based): chr2:148,469,578, T>A. VCF-style: chr2-148469578-T-A. GRCh37 (hg19) VCF-style: chr2-149227147-T-A.
Other names: c.1635T>A, p.Ser545= (NM_018328.5).
Identifiers: ClinVar variation 387504 (VCV000387504.1), dbSNP rs1057522805, ClinGen allele CA16603825.

ClinVar aggregate classification (germline): Likely benign (1 of 4 stars; one submission).

Submission:

GeneDx
Classification: Likely benign. Last evaluated: 2016-07-06. Review status: criteria provided, single submitter. Criteria: GeneDx Variant Classification (06012015). Collection method: clinical testing. Allele origin: germline. Affected: yes.
Comment: This variant is considered likely benign or benign based on one or more of the following criteria: it is a conservative change, it occurs at a poorly conserved position in the protein, it is predicted to be benign by multiple in silico algorithms, and/or has population frequency not consistent with disease.